The following is an entry in ClinVar:

NM_000297.4(PKD2):c.954T>C (p.Val318=)

Gene: PKD2 (polycystin 2, transient receptor potential cation channel; plus strand). Cytogenetic location: 4q22.1.
Variant type: single nucleotide variant.
Coding change: c.954T>C on transcript NM_000297.4 (MANE Select); coding-DNA position 954, T replaced by C.
Protein change: p.Val318=; no amino-acid change (valine 318 retained).
Molecular consequence: synonymous variant. On other transcripts: non-coding transcript variant (1).
Genome position (GRCh38, 1-based): chr4:88,038,361, T>C. VCF-style: chr4-88038361-T-C. GRCh37 (hg19) VCF-style: chr4-88959513-T-C.
Identifiers: ClinVar variation 997290 (VCV000997290.1), dbSNP rs1727418866, ClinGen allele CA440296859.

ClinVar aggregate classification (germline): Uncertain significance (0 of 4 stars; one submission).

Conditions:
Polycystic kidney disease. Also called: Polycystic kidney dysplasia; Kidney, Polycystic. Identifiers: MedGen C0022680, MeSH D007690, MONDO:0020642, HP:0000113.

Submission:

Department of Pathology and Laboratory Medicine, Sinai Health System
Classification: Uncertain significance for Polycystic Kidney disease. Review status: no assertion criteria provided. Collection method: clinical testing. Allele origin: unknown. Affected: yes. Study: The Canadian Open Genetics Repository (COGR).
Comment: The PKD2 p.Val318= variant was not identified in the literature nor was it identified in the dbSNP, ClinVar, GeneInsight-COGR, LOVD 3.0, ADPKD Mutation Database, PKD1-LOVD, databases. The variant was not identified in the following control databases: the 1000 Genomes Project, the NHLBI GO Exome Sequencing Project, the Exome Aggregation Consortium (August 8th 2016), or the Genome Aggregation Database (Feb 27, 2017). The p.Val318= variant is not expected to have clinical significance because it does not result in a change of amino acid and is not located in a known consensus splice site. In addition, in silico or computational prediction software programs (SpliceSiteFinder, MaxEntScan, NNSPLICE, GeneSplicer, HumanSpliceFinder) do not predict a difference in splicing. The variant occurs outside of the splicing consensus sequence and in silico or computational prediction software programs (SpliceSiteFinder, MaxEntScan, NNSPLICE, GeneSplicer, HumanSpliceFinder) do not predict a difference in splicing. In summary, based on the above information, the clinical significance of this variant cannot be determined with certainty at this time. This variant is classified as a variant of uncertain significance.